The following is an entry in ClinVar:

ClinVar aggregate classification (germline): Uncertain significance (0 of 4 stars; one submission).

Conditions:
ASTN2-related disorder. Also called: ASTN2-related condition.

Submission:

PreventionGenetics, part of Exact Sciences
Classification: Uncertain significance for ASTN2-related condition. Last evaluated: 2024-06-03. Review status: no assertion criteria provided. Collection method: clinical testing. Allele origin: germline.
Comment: The ASTN2 c.2528T>G variant is predicted to result in the amino acid substitution p.Leu843Arg. To our knowledge, this variant has not been reported in the literature or in a large population database, indicating this variant is rare. At this time, the clinical significance of this variant is uncertain due to the absence of conclusive functional and genetic evidence.

NM_001365068.1(ASTN2):c.2681T>G (p.Leu894Arg)

Gene: ASTN2 (astrotactin 2; minus strand). Cytogenetic location: 9q33.1.
Variant type: single nucleotide variant.
Coding change: c.2681T>G on transcript NM_001365068.1 (MANE Select); coding-DNA position 2681, T replaced by G.
Protein change: p.Leu894Arg; replaces leucine 894 with arginine.
Molecular consequence: missense variant.
Genome position (GRCh38, 1-based): chr9:116,725,896, A>C on the plus strand (T>G on the coding strand, the complement: ASTN2 is on the minus strand). VCF-style: chr9-116725896-A-C. GRCh37 (hg19) VCF-style: chr9-119488175-A-C.
Other names: c.2669T>G, p.Leu890Arg (NM_001365069.1); c.2528T>G, p.Leu843Arg (NM_014010.5); short protein forms L843R, L890R, L894R.
Identifiers: ClinVar variation 3349390 (VCV003349390.1).